The following is an entry in ClinVar:

ClinVar aggregate classification (germline): Uncertain significance. Review status: criteria provided, multiple submitters, no conflicts (2 of 4 stars). 3 submissions from 3 submitters: Uncertain significance (3). Last evaluated 2025-11-15.

Conditions:
Cardiovascular phenotype. Identifiers: MedGen CN230736.

Allele frequency attached by ClinVar (database versions not stated): ExAC 0.00001; gnomAD exomes 0.00001; gnomAD 0.00001.
gnomAD v4.1: 21 of 1,611,022 alleles (0.0013%); highest among the groups gnomAD compares: African/African-American, 0.0054%; no homozygotes.

Submissions (3):

Ambry Genetics
Classification: Uncertain significance for Cardiovascular phenotype. Last evaluated: 2025-11-15. Review status: criteria provided, single submitter. Criteria: Ambry Variant Classification Scheme 2023. Collection method: clinical testing. Allele origin: germline.
Comment: The p.P403L variant (also known as c.1208C>T), located in coding exon 11 of the PRDM5 gene, results from a C to T substitution at nucleotide position 1208. The proline at codon 403 is replaced by leucine, an amino acid with similar properties. This amino acid position is conserved. In addition, this alteration is predicted to be tolerated by in silico analysis. Since supporting evidence is limited at this time, the clinical significance of this alteration remains unclear.

GeneDx
Classification: Uncertain significance. Last evaluated: 2024-05-13. Review status: criteria provided, single submitter. Criteria: GeneDx Variant Classification Process June 2021. Collection method: clinical testing. Allele origin: germline. Affected: yes.
Comment: Has not been previously published as pathogenic or benign to our knowledge; Not observed at significant frequency in large population cohorts (gnomAD); In silico analysis supports that this missense variant has a deleterious effect on protein structure/function

Labcorp Genetics (formerly Invitae), Labcorp
Classification: Uncertain significance. Last evaluated: 2022-05-20. Review status: criteria provided, single submitter. Criteria: Invitae Variant Classification Sherloc (09022015). Collection method: clinical testing. Allele origin: germline.
Comment: This sequence change replaces proline, which is neutral and non-polar, with leucine, which is neutral and non-polar, at codon 403 of the PRDM5 protein (p.Pro403Leu). The frequency data for this variant in the population databases is considered unreliable, as metrics indicate poor data quality at this position in the gnomAD database. This variant has not been reported in the literature in individuals affected with PRDM5-related conditions. Algorithms developed to predict the effect of missense changes on protein structure and function (SIFT, PolyPhen-2, Align-GVGD) all suggest that this variant is likely to be disruptive. In summary, the available evidence is currently insufficient to determine the role of this variant in disease. Therefore, it has been classified as a Variant of Uncertain Significance.

NM_018699.4(PRDM5):c.1208C>T (p.Pro403Leu)

Gene: PRDM5 (PR/SET domain 5; minus strand). Cytogenetic location: 4q27.
Variant type: single nucleotide variant.
Coding change: c.1208C>T on transcript NM_018699.4 (MANE Select); coding-DNA position 1208, C replaced by T.
Protein change: p.Pro403Leu; replaces proline 403 with leucine.
Molecular consequence: missense variant.
Genome position (GRCh38, 1-based): chr4:120,785,072, G>A on the plus strand (C>T on the coding strand, the complement: PRDM5 is on the minus strand). VCF-style: chr4-120785072-G-A. GRCh37 (hg19) VCF-style: chr4-121706227-G-A.
Other names: c.1115C>T, p.Pro372Leu (NM_001300823.2, NM_001300824.2, NM_001379106.1); c.1241C>T, p.Pro414Leu (NM_001379104.1); short protein forms P372L, P403L, P414L.
Identifiers: ClinVar variation 1723718 (VCV001723718.9), dbSNP rs769647986, ClinGen allele CA3061114.